The following is an entry in ClinVar:

ClinVar aggregate classification (germline): Conflicting classifications of pathogenicity. Review status: criteria provided, conflicting classifications (1 of 4 stars). 3 submissions from 3 submitters: Uncertain significance (2); Likely benign (1). Last evaluated 2025-12-24.

Conditions:
Hereditary cancer-predisposing syndrome. Also called: Hereditary neoplastic syndrome; Tumor predisposition; Neoplastic Syndromes, Hereditary; Hereditary Cancer Syndrome. Identifiers: Orphanet 140162, MedGen C0027672, MeSH D009386, MONDO:0015356.
Colorectal cancer, susceptibility to, 12 (CRCS12). Also called: COLORECTAL CANCER, SUSCEPTIBILITY TO, ON CHROMOSOME 12q24. Identifiers: Orphanet 220460, MedGen C3554460, MONDO:0014038, OMIM 615083.

Allele frequency attached by ClinVar (database versions not stated): 1000 Genomes Project 30x 0.00016.
gnomAD v4.1: 28 of 1,608,792 alleles (0.0017%); highest among the groups gnomAD compares: South Asian, 0.019%; no homozygotes.

Submissions (3):

Labcorp Genetics (formerly Invitae), Labcorp
Classification: Uncertain significance. Last evaluated: 2025-12-24. Review status: criteria provided, single submitter. Criteria: Invitae Variant Classification Sherloc (09022015). Collection method: clinical testing. Allele origin: germline.
Comment: This sequence change replaces aspartic acid, which is acidic and polar, with asparagine, which is neutral and polar, at codon 2166 of the POLE protein (p.Asp2166Asn). This variant is present in population databases (rs759795841, gnomAD 0.02%). This variant has not been reported in the literature in individuals affected with POLE-related conditions. ClinVar contains an entry for this variant (Variation ID: 654942). Invitae Evidence Modeling of protein sequence and biophysical properties (such as structural, functional, and spatial information, amino acid conservation, physicochemical variation, residue mobility, and thermodynamic stability) indicates that this missense variant is not expected to disrupt POLE protein function with a negative predictive value of 80%. In summary, the available evidence is currently insufficient to determine the role of this variant in disease. Therefore, it has been classified as a Variant of Uncertain Significance.

Ambry Genetics
Classification: Likely benign for Hereditary cancer-predisposing syndrome. Last evaluated: 2024-10-17. Review status: criteria provided, single submitter. Criteria: Ambry Variant Classification Scheme 2023. Collection method: clinical testing. Allele origin: germline.

Neuberg Centre For Genomic Medicine, NCGM
Classification: Uncertain significance for Colorectal cancer, susceptibility to, 12. Review status: criteria provided, single submitter. Criteria: ACMG Guidelines, 2015. Collection method: clinical testing. Allele origin: germline. Inheritance: Autosomal dominant inheritance. Affected: yes.
Comment: The missense variant c.6496G>A(p.Asp2166Asn) in POLE gene has not been reported previously as a pathogenic variant nor as a benign variant, to our knowledge. This variant has been reported to the ClinVar database as Uncertain Significance. The p.Asp2166Asn variant is novel (not in any individuals) in 1000 Genomes and allele frequency of 0.002897% is reported in gnomAD. The amino acid Asp at position 2166 is changed to a Asn changing protein sequence and it might alter its composition and physico-chemical properties. The amino acid change p.Asp2166Asn in POLE is predicted as conserved by GERP++ and PhyloP across 100 vertebrates. For these reasons, this variant has been classified as Uncertain Significance.

NM_006231.4(POLE):c.6496G>A (p.Asp2166Asn)

Gene: POLE (DNA polymerase epsilon, catalytic subunit; minus strand). Cytogenetic location: 12q24.33.
Variant type: single nucleotide variant.
Coding change: c.6496G>A on transcript NM_006231.4 (MANE Select); coding-DNA position 6496, G replaced by A.
Protein change: p.Asp2166Asn; replaces aspartic acid 2166 with asparagine.
Molecular consequence: missense variant.
Genome position (GRCh38, 1-based): chr12:132,626,152, C>T on the plus strand (G>A on the coding strand, the complement: POLE is on the minus strand). VCF-style: chr12-132626152-C-T. GRCh37 (hg19) VCF-style: chr12-133202738-C-T.
Other names: c.6496G>A (NM_006231.2); short protein forms D2166N.
Identifiers: ClinVar variation 654942 (VCV000654942.9), dbSNP rs759795841, ClinGen allele CA6892164.
Genomic context (GRCh38, chr12:132,626,152, plus strand): 5'-AGGGCCCGCTGGAGCTCAGCCGCACCTCTGAGAAGGAAGAGTCTTTACACAGGTCCAGGT[C>T]GCGGCAGAAGTTACAGCTGCGGCAGATGACCTCAGGAAGCACGTAGGAGCGGCAGGGGTC-3'
Protein context (NP_006222.2, residues 2156-2176): VICRSCNFCR[Asp2166Asn]LDLCKDSSFS